The following is an entry in ClinVar:

NM_000548.5(TSC2):c.220G>T (p.Glu74Ter)

Gene: TSC2 (TSC complex subunit 2; plus strand). Cytogenetic location: 16p13.3.
Variant type: single nucleotide variant.
Coding change: c.220G>T on transcript NM_000548.5 (MANE Select); coding-DNA position 220, G replaced by T.
Protein change: p.Glu74Ter; replaces glutamic acid 74 with a stop codon.
Molecular consequence: nonsense. On other transcripts: 5 prime UTR variant (1).
Genome position (GRCh38, 1-based): chr16:2,050,481, G>T. VCF-style: chr16-2050481-G-T. GRCh37 (hg19) VCF-style: chr16-2100482-G-T.
Other names: c.220G>T, p.Glu74Ter (NM_001077183.3, NM_001114382.3, NM_001318827.2 and 13 more transcripts); c.73G>T, p.Glu25Ter (NM_001318829.2, NM_001406675.1, NM_001406676.1 and 2 more transcripts); c.-7G>T (NM_001318831.2, NM_001406684.1, NM_001406685.1 and 3 more transcripts); c.253G>T, p.Glu85Ter (NM_001318832.2); c.-597G>T (NM_001406683.1, NM_001406687.1, NM_001406680.1); c.-1212G>T (NM_001406689.1, NM_001406690.1, NM_001406691.1 and 2 more transcripts); c.-226G>T (NM_001406681.1); c.-1518G>T (NM_001406693.1); and 3 more; short protein forms E85*, E74*, E25*.
Identifiers: ClinVar variation 1787749 (VCV001787749.3), dbSNP rs2150997192, ClinGen allele CA394303622.

ClinVar aggregate classification (germline): Pathogenic. Review status: criteria provided, multiple submitters, no conflicts (2 of 4 stars). 2 submissions from 2 submitters: Pathogenic (2). Last evaluated 2025-06-16.

Conditions:
Hereditary cancer-predisposing syndrome. Also called: Tumor predisposition; Neoplastic Syndromes, Hereditary; Hereditary Cancer Syndrome; Hereditary neoplastic syndrome. Identifiers: Orphanet 140162, MedGen C0027672, MeSH D009386, MONDO:0015356.
Tuberous sclerosis 2 (TSC2). Identifiers: Orphanet 805, MedGen C1860707, MONDO:0013199, OMIM 613254.

Submissions (2):

Labcorp Genetics (formerly Invitae), Labcorp
Classification: Pathogenic for Tuberous sclerosis 2. Last evaluated: 2025-06-16. Review status: criteria provided, single submitter. Criteria: Invitae Variant Classification Sherloc (09022015). Collection method: clinical testing. Allele origin: germline.
Comment: This sequence change creates a premature translational stop signal (p.Glu74*) in the TSC2 gene. It is expected to result in an absent or disrupted protein product. Loss-of-function variants in TSC2 are known to be pathogenic (PMID: 10205261, 17304050). This variant is not present in population databases (gnomAD no frequency). This premature translational stop signal has been observed in individual(s) with tuberous sclerosis complex (PMID: 35870981). ClinVar contains an entry for this variant (Variation ID: 1787749). For these reasons, this variant has been classified as Pathogenic.

Ambry Genetics
Classification: Pathogenic for Hereditary cancer-predisposing syndrome. Last evaluated: 2017-01-26. Review status: criteria provided, single submitter. Criteria: Ambry Variant Classification Scheme 2023. Collection method: clinical testing. Allele origin: germline.
Comment: The p.E74* pathogenic mutation (also known as c.220G>T), located in coding exon 2 of the TSC2 gene, results from a G to T substitution at nucleotide position 220. This changes the amino acid from a glutamic acid to a stop codon within coding exon 2. This alteration is expected to result in loss of function by premature protein truncation or nonsense-mediated mRNA decay. As such, this alteration is interpreted as a disease-causing mutation.

Literature cited by the submitters: PubMed 10205261 (cited by Labcorp Genetics (formerly Invitae), Labcorp); PubMed 17304050 (cited by Labcorp Genetics (formerly Invitae), Labcorp); PubMed 35870981 (cited by Labcorp Genetics (formerly Invitae), Labcorp).